The following is an entry in ClinVar:

NM_032380.5(GFM2):c.109C>T (p.Pro37Ser)

Gene: GFM2 (GTP dependent ribosome recycling factor mitochondrial 2; minus strand). Cytogenetic location: 5q13.3.
Variant type: single nucleotide variant.
Coding change: c.109C>T on transcript NM_032380.5 (MANE Select); coding-DNA position 109, C replaced by T.
Protein change: p.Pro37Ser; replaces proline 37 with serine.
Molecular consequence: missense variant. On other transcripts: non-coding transcript variant (1).
Genome position (GRCh38, 1-based): chr5:74,760,941, G>A on the plus strand (C>T on the coding strand, the complement: GFM2 is on the minus strand). VCF-style: chr5-74760941-G-A. GRCh37 (hg19) VCF-style: chr5-74056766-G-A.
Other names: c.205C>T, p.Pro69Ser (NM_001281302.2); c.109C>T, p.Pro37Ser (NM_170681.3, NM_170691.3); short protein forms P37S, P69S.
Identifiers: ClinVar variation 380627 (VCV000380627.2), dbSNP rs138677794, ClinGen allele CA16604914.

ClinVar aggregate classification (germline): Likely benign. Review status: criteria provided, multiple submitters, no conflicts (2 of 4 stars). 2 submissions from 2 submitters: Likely benign (2). Last evaluated 2015-09-16.

Allele frequency attached by ClinVar (database versions not stated): gnomAD exomes below 0.00001; gnomAD 0.00001; TOPMed 0.00001; ESP Exome Variant Server 0.00008.
gnomAD v4.1: 6 of 1,610,464 alleles (0.00037%); highest among the groups gnomAD compares: Middle Eastern, 0.016%; 1 homozygote.

Submissions (2):

GeneDx
Classification: Likely benign. Last evaluated: 2015-09-16. Review status: criteria provided, single submitter. Criteria: GeneDx Variant Classification (06012015). Collection method: clinical testing. Allele origin: germline. Affected: yes.
Comment: This variant is considered likely benign or benign based on one or more of the following criteria: it is a conservative change, it occurs at a poorly conserved position in the protein, it is predicted to be benign by multiple in silico algorithms, and/or has population frequency not consistent with disease.

Breakthrough Genomics
Classification: Likely benign. Review status: criteria provided, single submitter. Criteria: ACMG Guidelines, 2015. Collection method: not provided. Allele origin: germline. Inheritance: Autosomal recessive inheritance. Affected: yes.